The following is an entry in ClinVar:

ClinVar aggregate classification (germline): Likely benign (1 of 4 stars; one submission).

gnomAD v4.1: 1 of 1,210,118 alleles (0.000083%); highest among the groups gnomAD compares: Non-Finnish European, 0.00011%; no homozygotes.

Submission:

CeGaT Center for Human Genetics Tuebingen
Classification: Likely benign. Last evaluated: 2026-05-01. Review status: criteria provided, single submitter. Criteria: CeGaT Center For Human Genetics Tuebingen Variant Classification Criteria Version 2. Collection method: clinical testing. Allele origin: germline. Affected: yes. Observed: 1 variant allele.
Comment: NONO: BP4, BP7

NM_007363.5(NONO):c.822C>T (p.Leu274=)

Gene: NONO (non-POU domain containing octamer binding; plus strand). Cytogenetic location: Xq13.1.
Variant type: single nucleotide variant.
Coding change: c.822C>T on transcript NM_007363.5 (MANE Select); coding-DNA position 822, C replaced by T.
Protein change: p.Leu274=; no amino-acid change (leucine 274 retained).
Molecular consequence: synonymous variant.
Genome position (GRCh38, 1-based): chrX:71,296,926, C>T. VCF-style: chrX-71296926-C-T. GRCh37 (hg19) VCF-style: chrX-70516776-C-T.
Other names: c.822C>T, p.Leu274= (NM_001145408.2, NM_001145409.2); c.555C>T, p.Leu185= (NM_001145410.2).
Identifiers: ClinVar variation 4873857 (VCV004873857.2).
Genomic context (GRCh38, chrX:71,296,926, plus strand): 5'-ACCCAGATTTGCACAGCCTGGCTCCTTTGAGTATGAATATGCCATGCGCTGGAAGGCACT[C>T]ATTGAGATGGAGAAGCAGCAGCAGGACCAAGTGGACCGCAACATCAAGGAGGCTCGTGAG-3'
Protein context (NP_031389.3, residues 264-284): EYEYAMRWKA[Leu274=]IEMEKQQQDQ